The following is an entry in ClinVar:

NM_005359.6(SMAD4):c.249+300del

Gene: SMAD4 (SMAD family member 4; plus strand). Cytogenetic location: 18q21.2.
Variant type: Deletion.
Coding change: c.249+300del on transcript NM_005359.6 (MANE Select); 300 bases into the intron after coding-DNA position 249, one base deleted (G; older notation c.249+300delG).
Molecular consequence: intron variant.
Genome position (GRCh38, 1-based): chr18:51,047,595, G deleted. VCF-style (leftmost placement, unchanged base first): chr18-51047594-TG-T. GRCh37 (hg19) VCF-style: chr18-48573964-TG-T.
Other names: c.249+300delG (NM_005359.5).
Identifiers: ClinVar variation 680961 (VCV000680961.1), dbSNP rs139940554, ClinGen allele CA300081273.

ClinVar aggregate classification (germline): Benign (1 of 4 stars; one submission).

Allele frequency attached by ClinVar (database versions not stated): 1000 Genomes Project 30x 0.01015; 1000 Genomes Project 0.01018; TOPMed 0.01820; gnomAD 0.02162 and 0.02271.

Submission:

GeneDx
Classification: Benign. Last evaluated: 2018-06-14. Review status: criteria provided, single submitter. Criteria: GeneDx Variant Classification (06012015). Collection method: clinical testing. Allele origin: germline. Affected: yes.
Comment: This variant is considered likely benign or benign based on one or more of the following criteria: it is a conservative change, it occurs at a poorly conserved position in the protein, it is predicted to be benign by multiple in silico algorithms, and/or has population frequency not consistent with disease.